The following is an entry in ClinVar:

NM_000744.7(CHRNA4):c.229-10G>A

Genes: CHRNA4 (cholinergic receptor nicotinic alpha 4 subunit; minus strand), LOC126863087 (P300/CBP strongly-dependent group 1 enhancer GRCh37_chr20:61986832-61988031; plus strand). Cytogenetic location: 20q13.33.
Variant type: single nucleotide variant.
Coding change: c.229-10G>A on transcript NM_000744.7 (MANE Select); 10 bases into the intron before coding-DNA position 229, G replaced by A.
Molecular consequence: intron variant.
Genome position (GRCh38, 1-based): chr20:63,356,425, C>T on the plus strand (G>A on the coding strand, the complement: CHRNA4 is on the minus strand). VCF-style: chr20-63356425-C-T. GRCh37 (hg19) VCF-style: chr20-61987777-C-T.
Other names: c.-318-10G>A (NM_001256573.2).
Identifiers: ClinVar variation 582974 (VCV000582974.11), dbSNP rs776781462, ClinGen allele CA636613905.

ClinVar aggregate classification (germline): Conflicting classifications of pathogenicity. Review status: criteria provided, conflicting classifications (1 of 4 stars). 3 submissions from 3 submitters: Uncertain significance (1); Likely benign (2). Last evaluated 2024-08-30.

Conditions:
Familial sleep-related hypermotor epilepsy. Also called: Autosomal Dominant Sleep-Related Hypermotor (Hyperkinetic) Epilepsy. Identifiers: Orphanet 98784, MedGen C3696898, MONDO:0000030.

Allele frequency attached by ClinVar (database versions not stated): TOPMed 0.00001.

Submissions (3):

Women's Health and Genetics/Laboratory Corporation of America, LabCorp
Classification: Likely benign. Last evaluated: 2024-08-30. Review status: criteria provided, single submitter. Criteria: LabCorp Variant Classification Summary - May 2015. Collection method: clinical testing. Allele origin: germline.

Labcorp Genetics (formerly Invitae), Labcorp
Classification: Likely benign. Last evaluated: 2023-08-04. Review status: criteria provided, single submitter. Criteria: Invitae Variant Classification Sherloc (09022015). Collection method: clinical testing. Allele origin: germline.

GeneDx
Classification: Uncertain significance. Last evaluated: 2018-12-27. Review status: criteria provided, single submitter. Criteria: GeneDx Variant Classification Process June 2021. Collection method: clinical testing. Allele origin: germline. Affected: yes.
Comment: In silico analysis, which includes splice predictors and evolutionary conservation, supports a deleterious effect; Located in a region that tolerates variation and lacks pathogenic variants; Has not been previously published as pathogenic or benign to our knowledge